The following is an entry in ClinVar:

NM_198576.4(AGRN):c.3166G>A (p.Ala1056Thr)

Gene: AGRN (agrin; plus strand). Cytogenetic location: 1p36.33.
Variant type: single nucleotide variant.
Coding change: c.3166G>A on transcript NM_198576.4 (MANE Select); coding-DNA position 3166, G replaced by A.
Protein change: p.Ala1056Thr; replaces alanine 1056 with threonine.
Molecular consequence: missense variant.
Genome position (GRCh38, 1-based): chr1:1,046,651, G>A. VCF-style: chr1-1046651-G-A. GRCh37 (hg19) VCF-style: chr1-982031-G-A.
Other names: c.3166G>A, p.Ala1056Thr (NM_001305275.2); c.2851G>A, p.Ala951Thr (NM_001364727.2); short protein forms A1056T, A951T.
Identifiers: ClinVar variation 959296 (VCV000959296.8), dbSNP rs201651738, ClinGen allele CA508972.

ClinVar aggregate classification (germline): Uncertain significance. Review status: criteria provided, multiple submitters, no conflicts (2 of 4 stars). 2 submissions from 2 submitters: Uncertain significance (2). Last evaluated 2024-10-20.

Conditions:
Inborn genetic diseases. Identifiers: MedGen C0950123, MeSH D030342.
Congenital myasthenic syndrome 8. Also called: MYASTHENIC SYNDROME, CONGENITAL, DUE TO AGRIN DEFICIENCY; Myasthenic syndrome, congenital, 8, with pre- and postsynaptic defects. Identifiers: Orphanet 590, MedGen C3808739, MONDO:0014052, OMIM 615120.

Allele frequency attached by ClinVar (database versions not stated): gnomAD exomes 0.00005 and 0.00007; ESP Exome Variant Server 0.00008; ExAC 0.00009; TOPMed 0.00011; gnomAD 0.00014; 1000 Genomes Project 30x 0.00031; 1000 Genomes Project 0.00040.
gnomAD v4.1: 97 of 1,595,372 alleles (0.0061%); highest among the groups gnomAD compares: African/African-American, 0.028%; no homozygotes.

Submissions (2):

Ambry Genetics
Classification: Uncertain significance for Inborn genetic diseases. Last evaluated: 2024-10-20. Review status: criteria provided, single submitter. Criteria: Ambry Variant Classification Scheme 2023. Collection method: clinical testing. Allele origin: germline.

Labcorp Genetics (formerly Invitae), Labcorp
Classification: Uncertain significance for Congenital myasthenic syndrome 8. Last evaluated: 2022-10-04. Review status: criteria provided, single submitter. Criteria: Invitae Variant Classification Sherloc (09022015). Collection method: clinical testing. Allele origin: germline.
Comment: This sequence change replaces alanine, which is neutral and non-polar, with threonine, which is neutral and polar, at codon 1056 of the AGRN protein (p.Ala1056Thr). This variant is present in population databases (rs201651738, gnomAD 0.04%). This variant has not been reported in the literature in individuals affected with AGRN-related conditions. ClinVar contains an entry for this variant (Variation ID: 959296). Algorithms developed to predict the effect of missense changes on protein structure and function (SIFT, PolyPhen-2, Align-GVGD) all suggest that this variant is likely to be tolerated. In summary, the available evidence is currently insufficient to determine the role of this variant in disease. Therefore, it has been classified as a Variant of Uncertain Significance.